The following is an entry in ClinVar:

NM_002691.4(POLD1):c.3148C>G (p.Arg1050Gly)

Gene: POLD1 (DNA polymerase delta 1, catalytic subunit; plus strand). Cytogenetic location: 19q13.33.
Variant type: single nucleotide variant.
Coding change: c.3148C>G on transcript NM_002691.4 (MANE Select); coding-DNA position 3148, C replaced by G.
Protein change: p.Arg1050Gly; replaces arginine 1050 with glycine.
Molecular consequence: missense variant. On other transcripts: non-coding transcript variant (1).
Genome position (GRCh38, 1-based): chr19:50,417,199, C>G. VCF-style: chr19-50417199-C-G. GRCh37 (hg19) VCF-style: chr19-50920456-C-G.
Other names: c.3148C>G, p.Arg1050Gly (NM_001256849.1); c.3226C>G, p.Arg1076Gly (NM_001308632.1); short protein forms R1050G, R1076G.
Identifiers: ClinVar variation 1992956 (VCV001992956.4), dbSNP rs780749621, ClinGen allele CA406987331.
Genomic context (GRCh38, chr19:50,417,199, plus strand): 5'-GGGGGCGCCCTGCTCAGCCGCTGCCGTCCCCAGGTATCCCATCTGAATGCCCTGGAGGAG[C>G]GCTTCTCGCGCCTCTGGACGCAGTGCCAGCGCTGCCAGGGCAGCCTGCACGAGGACGTCA-3'
Protein context (NP_002682.2, residues 1040-1060): EVSHLNALEE[Arg1050Gly]FSRLWTQCQR

ClinVar aggregate classification (germline): Uncertain significance (1 of 4 stars; one submission).

Conditions:
POLD1-related polyposis and colorectal cancer syndrome (CRCS10). Also called: Colorectal cancer 10; COLORECTAL CANCER, SUSCEPTIBILITY TO, ON CHROMOSOME 19q; Colorectal cancer, susceptibility to, 10. Identifiers: Orphanet 220460, MedGen C2675481, MONDO:0012953, OMIM 612591.

Submission:

Labcorp Genetics (formerly Invitae), Labcorp
Classification: Uncertain significance for POLD1-related polyposis and colorectal cancer syndrome. Last evaluated: 2022-05-11. Review status: criteria provided, single submitter. Criteria: Invitae Variant Classification Sherloc (09022015). Collection method: clinical testing. Allele origin: germline.
Comment: In summary, the available evidence is currently insufficient to determine the role of this variant in disease. Therefore, it has been classified as a Variant of Uncertain Significance. Algorithms developed to predict the effect of missense changes on protein structure and function are either unavailable or do not agree on the potential impact of this missense change (SIFT: "Tolerated"; PolyPhen-2: "Possibly Damaging"; Align-GVGD: "Class C0"). This variant has not been reported in the literature in individuals affected with POLD1-related conditions. This variant is not present in population databases (gnomAD no frequency). This sequence change replaces arginine, which is basic and polar, with glycine, which is neutral and non-polar, at codon 1050 of the POLD1 protein (p.Arg1050Gly).